The following is an entry in ClinVar:

NM_002303.6(LEPR):c.26T>C (p.Val9Ala)

Gene: LEPR (leptin receptor; plus strand). Cytogenetic location: 1p31.3.
Variant type: single nucleotide variant.
Coding change: c.26T>C on transcript NM_002303.6 (MANE Select); coding-DNA position 26, T replaced by C.
Protein change: p.Val9Ala; replaces valine 9 with alanine.
Molecular consequence: missense variant.
Genome position (GRCh38, 1-based): chr1:65,565,591, T>C. VCF-style: chr1-65565591-T-C. GRCh37 (hg19) VCF-style: chr1-66031274-T-C.
Other names: c.26T>C, p.Val9Ala (NM_001003679.3, NM_001003680.3, NM_001198687.2 and 2 more transcripts); short protein forms V9A.
Identifiers: ClinVar variation 3352778 (VCV003352778.1).

ClinVar aggregate classification (germline): Uncertain significance (0 of 4 stars; one submission).

Conditions:
LEPR-related disorder. Also called: LEPR-related condition; LEPR-related disorders.

gnomAD v4.1: 141 of 1,613,860 alleles (0.0087%); highest among the groups gnomAD compares: Non-Finnish European, 0.012%; no homozygotes.

Submission:

PreventionGenetics, part of Exact Sciences
Classification: Uncertain significance for LEPR-related condition. Last evaluated: 2024-05-16. Review status: no assertion criteria provided. Collection method: clinical testing. Allele origin: germline.
Comment: The LEPR c.26T>C variant is predicted to result in the amino acid substitution p.Val9Ala. To our knowledge, this variant has not been reported in the literature. This variant is reported in 0.0035% of alleles in individuals of European (Non-Finnish) descent in gnomAD. At this time, the clinical significance of this variant is uncertain due to the absence of conclusive functional and genetic evidence.